The following is an entry in ClinVar:

NM_004366.6(CLCN2):c.1828C>T (p.Arg610Ter)

Gene: CLCN2 (chloride voltage-gated channel 2; minus strand). Cytogenetic location: 3q27.1.
Variant type: single nucleotide variant.
Coding change: c.1828C>T on transcript NM_004366.6 (MANE Select); coding-DNA position 1828, C replaced by T.
Protein change: p.Arg610Ter; replaces arginine 610 with a stop codon.
Molecular consequence: nonsense.
Genome position (GRCh38, 1-based): chr3:184,353,689, G>A on the plus strand (C>T on the coding strand, the complement: CLCN2 is on the minus strand). VCF-style: chr3-184353689-G-A. GRCh37 (hg19) VCF-style: chr3-184071477-G-A.
Other names: c.1777C>T, p.Arg593Ter (NM_001171087.3); c.1696C>T, p.Arg566Ter (NM_001171088.3); c.1828C>T, p.Arg610Ter (NM_001171089.3); short protein forms R593*, R566*, R610*.
Identifiers: ClinVar variation 2724374 (VCV002724374.8), dbSNP rs762516598, ClinGen allele CA2733978.

ClinVar aggregate classification (germline): Pathogenic/Likely pathogenic. Review status: criteria provided, multiple submitters, no conflicts (2 of 4 stars). 5 submissions from 5 submitters: Pathogenic (4); Likely pathogenic (1). Last evaluated 2025-11-18.

Conditions:
CLCN2-related disorder. Also called: CLCN2-related disorders; CLCN2-related condition.
Leukoencephalopathy with mild cerebellar ataxia and white matter edema (LKPAT). Also called: Leukoencephalopathy with ataxia; Leukoencephalopathy with white matter edema; Brain white matter edema; CLCN2-Related Leukoencephalopathy. Identifiers: Orphanet 363540, MedGen C4554120, MONDO:0014292, OMIM 615651. Disease mechanism: loss of function.
Epilepsy, idiopathic generalized, susceptibility to, 11 (EIG11). Identifiers: Orphanet 307, MedGen C2750893, MONDO:0011875, OMIM 607628.
Familial hyperaldosteronism type II. Also called: FH II. Identifiers: Orphanet 404, MedGen C1854107, MONDO:0011576, OMIM 605635.

Allele frequency attached by ClinVar (database versions not stated): ExAC 0.00001; gnomAD 0.00001; TOPMed 0.00002.
gnomAD v4.1: 12 of 1,611,892 alleles (0.00074%); highest among the groups gnomAD compares: East Asian, 0.0067%; no homozygotes.

Submissions (5):

Women's Health and Genetics/Laboratory Corporation of America, LabCorp
Classification: Pathogenic for CLCN2-Related Disorders. Last evaluated: 2025-11-18. Review status: criteria provided, single submitter. Criteria: LabCorp Variant Classification Summary - May 2015. Collection method: clinical testing. Allele origin: germline.
Comment: Variant summary: CLCN2 c.1828C>T (p.Arg610X) results in a premature termination codon, predicted to cause a truncation of the encoded protein or absence of the protein due to nonsense mediated decay, which are commonly known mechanisms for disease. The variant allele was found at a frequency of 1.2e-05 in 246398 control chromosomes. c.1828C>T has been observed in at least one individual affected with CLCN2-Related Leukoencephalopathy (CC2L) (Ohira_2024). To our knowledge, no experimental evidence demonstrating an impact on protein function has been reported. The following publication have been ascertained in the context of this evaluation (PMID: 39443882). ClinVar contains an entry for this variant (Variation ID: 2724374). Based on the evidence outlined above, the variant was classified as pathogenic.

First Genomix Gene Laboratory, Genetic Diagnostics Department
Classification: Pathogenic for Leukoencephalopathy with mild cerebellar ataxia and white matter edema. Last evaluated: 2025-08-18. Review status: criteria provided, single submitter. Criteria: ACMG Guidelines, 2015. Collection method: clinical testing. Allele origin: germline. Inheritance: Autosomal recessive inheritance. Affected: no. Observed: 1 variant allele.

Labcorp Genetics (formerly Invitae), Labcorp
Classification: Pathogenic. Last evaluated: 2024-11-05. Review status: criteria provided, single submitter. Criteria: Invitae Variant Classification Sherloc (09022015). Collection method: clinical testing. Allele origin: germline.
Comment: This sequence change creates a premature translational stop signal (p.Arg610*) in the CLCN2 gene. It is expected to result in an absent or disrupted protein product. Loss-of-function variants in CLCN2 are known to be pathogenic (PMID: 23707145). This variant is present in population databases (rs762516598, gnomAD 0.006%). This variant has not been reported in the literature in individuals affected with CLCN2-related conditions. ClinVar contains an entry for this variant (Variation ID: 2724374). Algorithms developed to predict the effect of sequence changes on RNA splicing suggest that this variant may disrupt the consensus splice site. For these reasons, this variant has been classified as Pathogenic.

Department Of Biochemistry, Hamamatsu University School Of Medicine
Classification: Pathogenic for Leukoencephalopathy with mild cerebellar ataxia and white matter edema. Last evaluated: 2024-04-11. Review status: criteria provided, single submitter. Criteria: ACMG Guidelines, 2015. Collection method: research. Allele origin: germline. Inheritance: Autosomal recessive inheritance. Affected: yes.
Comment: The c.1828C>T variant introduce the formation of a premature termination codon (p.(Arg610*)) and likely undergoes nonsense-mediated decay. In summary, the c.1828C>T, p.(Arg610*) variant was classified as pathogenic based on the American College of Medical Genetics and Genomics (ACMG) guideline.

Fulgent Genetics
Classification: Likely pathogenic for Familial hyperaldosteronism type II; Epilepsy, idiopathic generalized, susceptibility to, 11; Leukoencephalopathy with mild cerebellar ataxia and white matter edema. Last evaluated: 2024-03-11. Review status: criteria provided, single submitter. Criteria: ACMG Guidelines, 2015. Collection method: clinical testing. Allele origin: germline.

Literature cited by the submitters: PubMed 39443882 (cited by Women's Health and Genetics/Laboratory Corporation of America, LabCorp); PubMed 23707145 (cited by Labcorp Genetics (formerly Invitae), Labcorp).